The following is an entry in ClinVar:

NM_000642.3(AGL):c.30A>T (p.Leu10Phe)

Gene: AGL (amylo-alpha-1,6-glucosidase and 4-alpha-glucanotransferase; plus strand). Cytogenetic location: 1p21.2.
Variant type: single nucleotide variant.
Coding change: c.30A>T on transcript NM_000642.3 (MANE Select); coding-DNA position 30, A replaced by T.
Protein change: p.Leu10Phe; replaces leucine 10 with phenylalanine.
Molecular consequence: missense variant.
Genome position (GRCh38, 1-based): chr1:99,851,072, A>T. VCF-style: chr1-99851072-A-T. GRCh37 (hg19) VCF-style: chr1-100316628-A-T.
Other names: c.30A>T, p.Leu10Phe (NM_000028.3, NM_000643.3, NM_000644.3 and 6 more transcripts); c.-162A>T (NM_000646.3); short protein forms L10F.
Identifiers: ClinVar variation 456483 (VCV000456483.11), dbSNP rs746137555, ClinGen allele CA27550768.

ClinVar aggregate classification (germline): Uncertain significance. Review status: criteria provided, single submitter (1 of 4 stars). 2 submissions from 2 submitters: Uncertain significance (1). 1 of the submissions does not count toward it. Last evaluated 2025-03-03.

Conditions:
Glycogen storage disease type III (GSD3). Also called: FORBES DISEASE; Cori disease. Identifiers: Orphanet 366, MedGen C0017922, MONDO:0009291, OMIM 232400.

Allele frequency attached by ClinVar (database versions not stated): gnomAD 0.00003; TOPMed 0.00003.
gnomAD v4.1: 7 of 1,613,992 alleles (0.00043%); highest among the groups gnomAD compares: African/African-American, 0.0093%; no homozygotes.

Submissions (2):

Labcorp Genetics (formerly Invitae), Labcorp
Classification: Uncertain significance for Glycogen storage disease type III. Last evaluated: 2025-03-03. Review status: criteria provided, single submitter. Criteria: Invitae Variant Classification Sherloc (09022015). Collection method: clinical testing. Allele origin: germline.
Comment: This sequence change replaces leucine, which is neutral and non-polar, with phenylalanine, which is neutral and non-polar, at codon 10 of the AGL protein (p.Leu10Phe). This variant is present in population databases (no rsID available, gnomAD 0.01%). This variant has not been reported in the literature in individuals affected with AGL-related conditions. ClinVar contains an entry for this variant (Variation ID: 456483). An algorithm developed to predict the effect of missense changes on protein structure and function (PolyPhen-2) suggests that this variant is likely to be disruptive. In summary, the available evidence is currently insufficient to determine the role of this variant in disease. Therefore, it has been classified as a Variant of Uncertain Significance.

Natera, Inc.
Classification: Uncertain significance for Glycogen storage disease type III. Last evaluated: 2020-10-15. Review status: no assertion criteria provided. Collection method: clinical testing. Allele origin: germline. Not counted in ClinVar's aggregate classification.